The following is an entry in ClinVar:

ClinVar aggregate classification (germline): Uncertain significance. Review status: criteria provided, multiple submitters, no conflicts (2 of 4 stars). 3 submissions from 3 submitters: Uncertain significance (3). Last evaluated 2025-12-29.

Conditions:
Cardiovascular phenotype. Identifiers: MedGen CN230736.
Myofibrillar myopathy 5. Also called: FILAMINOPATHY, AUTOSOMAL DOMINANT; Filaminopathy (type). Identifiers: Orphanet 171445, MedGen C1836050, MONDO:0012289, OMIM 609524.
Distal myopathy with posterior leg and anterior hand involvement. Also called: WILLIAMS DISTAL MYOPATHY. Identifiers: Orphanet 63273, MedGen C3279722, MONDO:0013550, OMIM 614065.
Hypertrophic cardiomyopathy 26. Also called: Cardiomyopathy, familial hypertrophic, 26. Identifiers: Orphanet 75249, MedGen C4310749, MONDO:0014883, OMIM 617047.

Allele frequency attached by ClinVar (database versions not stated): gnomAD exomes 0.00001 and 0.00002; ExAC 0.00002.
gnomAD v4.1: 12 of 1,536,222 alleles (0.00078%); highest among the groups gnomAD compares: Middle Eastern, 0.017%; no homozygotes.

Submissions (3):

Labcorp Genetics (formerly Invitae), Labcorp
Classification: Uncertain significance for Distal myopathy with posterior leg and anterior hand involvement; Myofibrillar myopathy 5; Hypertrophic cardiomyopathy 26. Last evaluated: 2025-12-29. Review status: criteria provided, single submitter. Criteria: Invitae Variant Classification Sherloc (09022015). Collection method: clinical testing. Allele origin: germline.
Comment: This sequence change replaces alanine, which is neutral and non-polar, with valine, which is neutral and non-polar, at codon 403 of the FLNC protein (p.Ala403Val). This variant is present in population databases (rs777199447, gnomAD 0.009%). This variant has not been reported in the literature in individuals affected with FLNC-related conditions. ClinVar contains an entry for this variant (Variation ID: 1425522). An algorithm developed to predict the effect of missense changes on protein structure and function (PolyPhen-2) suggests that this variant is likely to be disruptive. Algorithms developed to predict the effect of sequence changes on RNA splicing suggest that this variant may create or strengthen a splice site. In summary, the available evidence is currently insufficient to determine the role of this variant in disease. Therefore, it has been classified as a Variant of Uncertain Significance.

Revvity Omics, Revvity
Classification: Uncertain significance. Last evaluated: 2020-01-03. Review status: criteria provided, single submitter. Criteria: ACMG Guidelines, 2015. Collection method: clinical testing. Allele origin: germline.

Ambry Genetics
Classification: Uncertain significance for Cardiovascular phenotype. Last evaluated: 2018-12-31. Review status: criteria provided, single submitter. Criteria: Ambry Variant Classification Scheme 2023. Collection method: clinical testing. Allele origin: germline.
Comment: The p.A403V variant (also known as c.1208C>T), located in coding exon 7 of the FLNC gene, results from a C to T substitution at nucleotide position 1208. The alanine at codon 403 is replaced by valine, an amino acid with similar properties. This amino acid position is highly conserved in available vertebrate species. In addition, the in silico prediction for this alteration is inconclusive. Since supporting evidence is limited at this time, the clinical significance of this alteration remains unclear.

NM_001458.5(FLNC):c.1208C>T (p.Ala403Val)

Gene: FLNC (filamin C; plus strand). Cytogenetic location: 7q32.1.
Variant type: single nucleotide variant.
Coding change: c.1208C>T on transcript NM_001458.5 (MANE Select); coding-DNA position 1208, C replaced by T.
Protein change: p.Ala403Val; replaces alanine 403 with valine.
Molecular consequence: missense variant.
Genome position (GRCh38, 1-based): chr7:128,838,427, C>T. VCF-style: chr7-128838427-C-T. GRCh37 (hg19) VCF-style: chr7-128478481-C-T.
Other names: c.1208C>T, p.Ala403Val (NM_001127487.2); short protein forms A403V.
Identifiers: ClinVar variation 1425522 (VCV001425522.12), dbSNP rs777199447, ClinGen allele CA4474258.
Genomic context (GRCh38, chr7:128,838,427, plus strand): 5'-CTGGCCTGGAACCTGTGGGCAATGTGGCCAACAAACCCACCTACTTTGACATCTACACTG[C>T]GGGTAGGACGGGCCCCAGGGGGTGCAGGTGGAAAGCCCCTGACCATGTGGGGCTGTGTGG-3'
Protein context (NP_001449.3, residues 393-413): NKPTYFDIYT[Ala403Val]GAGTGDVAVV